The following is an entry in ClinVar:

ClinVar aggregate classification (germline): Conflicting classifications of pathogenicity. Review status: criteria provided, conflicting classifications (1 of 4 stars). 2 submissions from 2 submitters: Uncertain significance (1); Benign (1). Last evaluated 2025-07-29.

Conditions:
Familial hypobetalipoproteinemia 1. Also called: Hypobetalipoproteinemia, normotriglyceridemic; Acanthocytosis with hypobetalipoproteinemia; APOB-Related Familial Hypobetalipoproteinemia. Identifiers: MedGen C4551990, MONDO:0014252, OMIM 615558.
Hypercholesterolemia, autosomal dominant, type B (FHCL2). Also called: Familial Hypercholesterolemia Type B; HYPERCHOLESTEROLEMIA, FAMILIAL, DUE TO LIGAND-DEFECTIVE APOLIPOPROTEIN B; Familial hypercholesterolemia 2; APOB-Related Familial Hypercholesterolemia, Autosomal Dominant; APOLIPOPROTEIN B-100, FAMILIAL DEFECTIVE; APOLIPOPROTEIN B-100, FAMILIAL LIGAND-DEFECTIVE. Identifiers: MedGen C1704417, MONDO:0007751, OMIM 144010.

Allele frequency attached by ClinVar (database versions not stated): gnomAD 0.00007; 1000 Genomes Project 0.00020; 1000 Genomes Project 30x 0.00031; ExAC 0.00002; gnomAD exomes 0.00002; TOPMed 0.00005.
gnomAD v4.1: 15 of 1,614,060 alleles (0.00093%); highest among the groups gnomAD compares: African/African-American, 0.013%; no homozygotes.

Submissions (2):

GeneDx
Classification: Uncertain significance. Last evaluated: 2025-07-29. Review status: criteria provided, single submitter. Criteria: GeneDx Variant Classification Process June 2021. Collection method: clinical testing. Allele origin: germline. Affected: yes.
Comment: In silico analysis indicates that this missense variant does not alter protein structure/function; Has not been previously published as pathogenic or benign to our knowledge; Also known as p.(S3468T)

Labcorp Genetics (formerly Invitae), Labcorp
Classification: Benign for Familial hypobetalipoproteinemia 1; Hypercholesterolemia, autosomal dominant, type B. Last evaluated: 2022-12-06. Review status: criteria provided, single submitter. Criteria: Invitae Variant Classification Sherloc (09022015). Collection method: clinical testing. Allele origin: germline.

NM_000384.3(APOB):c.10483T>A (p.Ser3495Thr)

Gene: APOB (apolipoprotein B; minus strand). Cytogenetic location: 2p24.1.
Variant type: single nucleotide variant.
Coding change: c.10483T>A on transcript NM_000384.3 (MANE Select); coding-DNA position 10483, T replaced by A.
Protein change: p.Ser3495Thr; replaces serine 3495 with threonine.
Molecular consequence: missense variant.
Genome position (GRCh38, 1-based): chr2:21,006,385, A>T on the plus strand (T>A on the coding strand, the complement: APOB is on the minus strand). VCF-style: chr2-21006385-A-T. GRCh37 (hg19) VCF-style: chr2-21229257-A-T.
Other names: short protein forms S3495T.
Identifiers: ClinVar variation 925283 (VCV000925283.15), dbSNP rs535977033, ClinGen allele CA043715.